The following is an entry in ClinVar:

ClinVar aggregate classification (germline): Pathogenic/Likely pathogenic. Review status: criteria provided, multiple submitters, no conflicts (2 of 4 stars). 3 submissions from 3 submitters: Pathogenic (2); Likely pathogenic (1). Last evaluated 2025-03-30.

Conditions:
Neurofibromatosis, type 1 (NF1). Also called: VON RECKLINGHAUSEN DISEASE; Peripheral type neurofibromatosis; Neurofibromatosis, type I; NEUROFIBROMATOSIS, TYPE I, SOMATIC. Identifiers: Orphanet 636, MedGen C0027831, MONDO:0018975, OMIM 162200. Disease mechanism: loss of function.
NF1-related disorder. Also called: NF1-related condition. Identifiers: MedGen CN379171.

Submissions (3):

GeneDx
Classification: Pathogenic. Last evaluated: 2025-03-30. Review status: criteria provided, single submitter. Criteria: GeneDx Variant Classification Process June 2021. Collection method: clinical testing. Allele origin: germline. Affected: yes.
Comment: Frameshift variant predicted to result in protein truncation or nonsense mediated decay in a gene for which loss of function is a known mechanism of disease; Not observed at significant frequency in large population cohorts (gnomAD); Has not been previously published as pathogenic or benign to our knowledge; This variant is associated with the following publications: (PMID: 23656349)

Blueprint Genetics
Classification: Likely pathogenic for NF1-related disorders. Last evaluated: 2024-03-08. Review status: criteria provided, single submitter. Criteria: ACMG Guidelines, 2015. Collection method: clinical testing. Allele origin: germline. Affected: yes. Observed: 1 variant allele.

Labcorp Genetics (formerly Invitae), Labcorp
Classification: Pathogenic for Neurofibromatosis, type 1. Last evaluated: 2021-01-08. Review status: criteria provided, single submitter. Criteria: Invitae Variant Classification Sherloc (09022015). Collection method: clinical testing. Allele origin: germline.
Comment: For these reasons, this variant has been classified as Pathogenic. This variant has not been reported in the literature in individuals with NF1-related conditions. This variant is not present in population databases (ExAC no frequency). This sequence change creates a premature translational stop signal (p.Leu1501Phefs*52) in the NF1 gene. It is expected to result in an absent or disrupted protein product. Loss-of-function variants in NF1 are known to be pathogenic (PMID: 10712197, 23913538).

Literature cited by the submitters: PubMed 10712197 (cited by Labcorp Genetics (formerly Invitae), Labcorp); PubMed 23913538 (cited by Labcorp Genetics (formerly Invitae), Labcorp).

NM_001042492.3(NF1):c.4563del (p.Leu1522fs)

Gene: NF1 (neurofibromin 1; plus strand). Cytogenetic location: 17q11.2.
Variant type: Deletion.
Coding change: c.4563del on transcript NM_001042492.3 (MANE Select); coding-DNA position 4563, one base deleted (T; older notation c.4563delT).
Protein change: p.Leu1522fs; shifts the reading frame from leucine 1522.
Molecular consequence: frameshift variant.
Genome position (GRCh38, 1-based): chr17:31,260,501, T deleted. VCF-style (leftmost placement, unchanged base first): chr17-31260500-AT-A. GRCh37 (hg19) VCF-style: chr17-29587518-AT-A.
Other names: c.4500delT, p.Leu1501Phefs (NM_000267.4); short protein forms L1501fs, L1522fs.
Identifiers: ClinVar variation 1397348 (VCV001397348.8), dbSNP rs2151464837, ClinGen allele CA2573153656.